The following is an entry in ClinVar:

ClinVar aggregate classification (germline): Likely benign (0 of 4 stars; one submission).

Conditions:
LRP1B-related disorder. Also called: LRP1B-related condition.

Allele frequency attached by ClinVar (database versions not stated): gnomAD 0.00002; ExAC 0.00014.
gnomAD v4.1: 108 of 1,611,982 alleles (0.0067%); highest among the groups gnomAD compares: South Asian, 0.098%; 4 homozygotes.

Submission:

PreventionGenetics, part of Exact Sciences
Classification: Likely benign for LRP1B-related condition. Last evaluated: 2019-07-01. Review status: no assertion criteria provided. Collection method: clinical testing. Allele origin: germline.
Comment: This variant is classified as likely benign based on ACMG/AMP sequence variant interpretation guidelines (Richards et al. 2015 PMID: 25741868, with internal and published modifications).

NM_018557.3(LRP1B):c.11008+6G>T

Gene: LRP1B (LDL receptor related protein 1B; minus strand). Cytogenetic location: 2q22.1.
Variant type: single nucleotide variant.
Coding change: c.11008+6G>T on transcript NM_018557.3 (MANE Select); 6 bases into the intron after coding-DNA position 11008, G replaced by T.
Molecular consequence: intron variant.
Genome position (GRCh38, 1-based): chr2:140,370,704, C>A on the plus strand (G>T on the coding strand, the complement: LRP1B is on the minus strand). VCF-style: chr2-140370704-C-A. GRCh37 (hg19) VCF-style: chr2-141128273-C-A.
Identifiers: ClinVar variation 3043462 (VCV003043462.2), dbSNP rs749286394, ClinGen allele CA1893232.